The following is an entry in ClinVar:

ClinVar aggregate classification (germline): Likely pathogenic (1 of 4 stars; one submission).

Conditions:
LRSAM1-related disorder. Also called: LRSAM1-related condition.

Submission:

PreventionGenetics, part of Exact Sciences
Classification: Likely pathogenic for LRSAM1-related condition. Last evaluated: 2026-07-13. Review status: criteria provided, single submitter. Criteria: ACMG Guidelines, 2015. Collection method: clinical testing. Allele origin: germline.
Comment: The LRSAM1 c.536dupG variant is predicted to result in a frameshift and premature protein termination (p.Ser179Argfs*3). To our knowledge, this variant has not been reported in the literature or in a large population database (gnomAD), indicating this variant is rare. Frameshift variants in LRSAM1 are expected to be pathogenic. This variant is interpreted as likely pathogenic for the autosomal recessive Charcot-Marie-Tooth disease type 2P.

NM_001005373.4(LRSAM1):c.536dup (p.Ser179fs)

Gene: LRSAM1 (leucine rich repeat and sterile alpha motif containing 1; plus strand). Cytogenetic location: 9q33.3.
Variant type: Duplication.
Coding change: c.536dup on transcript NM_001005373.4 (MANE Select); coding-DNA position 536, one base duplicated (G; older notation c.536dupG).
Protein change: p.Ser179fs; shifts the reading frame from serine 179.
Molecular consequence: frameshift variant. On other transcripts: 5 prime UTR variant (1), non-coding transcript variant (2).
Genome position (GRCh38, 1-based): chr9:127,467,747, G duplicated. VCF-style (leftmost placement, unchanged base first): chr9-127467746-A-AG. GRCh37 (hg19) VCF-style: chr9-130230025-A-AG.
Other names: c.536dupG (NM_138361.5); c.536dup, p.Ser179fs (NM_001005374.4, NM_001190723.3, NM_001384142.1 and 2 more transcripts); c.-249dup (NM_001384144.1); short protein forms S179fs.
Identifiers: ClinVar variation 4997245 (VCV004997245.1).